The following is an entry in ClinVar:

NM_015040.4(PIKFYVE):c.4441C>T (p.Gln1481Ter)

Gene: PIKFYVE (phosphoinositide kinase, FYVE-type zinc finger containing; plus strand). Cytogenetic location: 2q34.
Variant type: single nucleotide variant.
Coding change: c.4441C>T on transcript NM_015040.4 (MANE Select); coding-DNA position 4441, C replaced by T.
Protein change: p.Gln1481Ter; replaces glutamine 1481 with a stop codon.
Molecular consequence: nonsense.
Genome position (GRCh38, 1-based): chr2:208,336,121, C>T. VCF-style: chr2-208336121-C-T. GRCh37 (hg19) VCF-style: chr2-209200845-C-T.
Other names: short protein forms Q1481*.
Identifiers: ClinVar variation 489380 (VCV000489380.3), dbSNP rs1553525857, ClinGen allele CA350099797.

ClinVar aggregate classification (germline): Pathogenic/Likely pathogenic. Review status: criteria provided, multiple submitters, no conflicts (2 of 4 stars). 2 submissions from 2 submitters: Pathogenic (1); Likely pathogenic (1). Last evaluated 2025-12-18.

Submissions (2):

Labcorp Genetics (formerly Invitae), Labcorp
Classification: Pathogenic. Last evaluated: 2025-12-18. Review status: criteria provided, single submitter. Criteria: Invitae Variant Classification Sherloc (09022015). Collection method: clinical testing. Allele origin: germline.
Comment: This sequence change creates a premature translational stop signal (p.Gln1481*) in the PIKFYVE gene. It is expected to result in an absent or disrupted protein product. Loss-of-function variants in PIKFYVE are known to be pathogenic (PMID: 15902656, 23288988, 26396486). This variant is not present in population databases (gnomAD no frequency). This variant has not been reported in the literature in individuals affected with PIKFYVE-related conditions. ClinVar contains an entry for this variant (Variation ID: 489380). For these reasons, this variant has been classified as Pathogenic.

GeneDx
Classification: Likely pathogenic. Last evaluated: 2018-01-31. Review status: criteria provided, single submitter. Criteria: GeneDx Variant Classification (06012015). Collection method: clinical testing. Allele origin: germline. Affected: yes.
Comment: The Q1481X variant in the PIKFYVE gene has not been reported previously as a pathogenic variant nor as a benign variant, to our knowledge. This variant is predicted to cause loss of normal protein function either through protein truncation or nonsense-mediated mRNA decay. The Q1481X variant is not observed in large population cohorts (Lek et al., 2016). We interpret Q1481X as a likely pathogenic variant.

Literature cited by the submitters: PubMed 15902656 (cited by Labcorp Genetics (formerly Invitae), Labcorp); PubMed 23288988 (cited by Labcorp Genetics (formerly Invitae), Labcorp); PubMed 26396486 (cited by Labcorp Genetics (formerly Invitae), Labcorp).